The following is an entry in ClinVar:

NM_001379403.1(WDR26):c.1784G>A (p.Ser595Asn)

Gene: WDR26 (WD repeat domain 26; minus strand). Cytogenetic location: 1q42.11.
Variant type: single nucleotide variant.
Coding change: c.1784G>A on transcript NM_001379403.1 (MANE Select); coding-DNA position 1784, G replaced by A.
Protein change: p.Ser595Asn; replaces serine 595 with asparagine.
Molecular consequence: missense variant.
Genome position (GRCh38, 1-based): chr1:224,398,970, C>T on the plus strand (G>A on the coding strand, the complement: WDR26 is on the minus strand). VCF-style: chr1-224398970-C-T. GRCh37 (hg19) VCF-style: chr1-224586672-C-T.
Other names: c.1436G>A, p.Ser479Asn (NM_001115113.3); c.1484G>A, p.Ser495Asn (NM_025160.7); short protein forms S479N, S495N, S595N.
Identifiers: ClinVar variation 3058275 (VCV003058275.2), dbSNP rs2464682792, ClinGen allele CA344747256.

ClinVar aggregate classification (germline): Uncertain significance (0 of 4 stars; one submission).

Conditions:
WDR26-related disorder. Also called: WDR26-related condition.

Submission:

PreventionGenetics, part of Exact Sciences
Classification: Uncertain significance for WDR26-related condition. Last evaluated: 2023-12-15. Review status: no assertion criteria provided. Collection method: clinical testing. Allele origin: germline.
Comment: The WDR26 c.1484G>A variant is predicted to result in the amino acid substitution p.Ser495Asn. To our knowledge, this variant has not been reported in the literature or in a large population database, indicating this variant is rare. At this time, the clinical significance of this variant is uncertain due to the absence of conclusive functional and genetic evidence.